The following is an entry in ClinVar:

ClinVar aggregate classification (germline): Uncertain significance. Review status: criteria provided, single submitter (1 of 4 stars). 2 submissions from 2 submitters: Uncertain significance (1). 1 of the submissions does not count toward it. Last evaluated 2025-04-21.

Conditions:
Optic atrophy. Identifiers: MedGen C0029124, MONDO:0003608, HP:0000648.

Submissions (2):

Labcorp Genetics (formerly Invitae), Labcorp
Classification: Uncertain significance. Last evaluated: 2025-04-21. Review status: criteria provided, single submitter. Criteria: Invitae Variant Classification Sherloc (09022015). Collection method: clinical testing. Allele origin: germline.
Comment: This sequence change falls in intron 8 of the OPA1 gene. It does not directly change the encoded amino acid sequence of the OPA1 protein. It affects a nucleotide within the consensus splice site. Information on the frequency of this variant in the gnomAD database is not available, as this variant may be reported differently in the database. This variant has not been reported in the literature in individuals affected with OPA1-related conditions. ClinVar contains an entry for this variant (Variation ID: 3250103). Variants that disrupt the consensus splice site are a relatively common cause of aberrant splicing (PMID: 17576681, 9536098). In summary, the available evidence is currently insufficient to determine the role of this variant in disease. Therefore, it has been classified as a Variant of Uncertain Significance.

Institute of Human Genetics, Univ. Regensburg, Univ. Regensburg
Classification: Likely pathogenic for Optic atrophy. Last evaluated: 2022-01-01. Review status: no assertion criteria provided. Criteria: ACMG Guidelines, 2015. Collection method: clinical testing. Allele origin: germline. Affected: yes. Not counted in ClinVar's aggregate classification.

Literature cited by the submitters: PubMed 17576681 (cited by Labcorp Genetics (formerly Invitae), Labcorp); PubMed 9536098 (cited by Labcorp Genetics (formerly Invitae), Labcorp).

NM_130837.3(OPA1):c.1035+4_1035+5inv

Gene: OPA1 (OPA1 mitochondrial dynamin like GTPase; plus strand). Cytogenetic location: 3q29.
Variant type: Inversion.
Coding change: c.1035+4_1035+5inv on transcript NM_130837.3 (MANE Select).
Molecular consequence: intron variant.
Genome position: GRCh38 VCF-style: chr3-193637285-TG-CA. GRCh37 (hg19) VCF-style: chr3-193355074-TG-CA.
Other names: c.498+4_498+5inv (NM_001354664.2); c.501+4_501+5inv (NM_001354663.2); c.924+4_924+5inv (NM_130834.3); c.981+4_981+5inv (NM_130836.3); c.870+4_870+5inv (NM_015560.3); c.927+4_927+5inv (NM_130835.3); c.816+4_816+5inv (NM_130832.3); c.873+4_873+5inv (NM_130833.3); and 2 more.
Identifiers: ClinVar variation 3250103 (VCV003250103.2).